The following is an entry in ClinVar:

NM_177438.3(DICER1):c.2290C>G (p.Pro764Ala)

Gene: DICER1 (dicer 1, ribonuclease III; minus strand). Cytogenetic location: 14q32.13.
Variant type: single nucleotide variant.
Coding change: c.2290C>G on transcript NM_177438.3 (MANE Select); coding-DNA position 2290, C replaced by G.
Protein change: p.Pro764Ala; replaces proline 764 with alanine.
Molecular consequence: missense variant. On other transcripts: non-coding transcript variant (6).
Genome position (GRCh38, 1-based): chr14:95,108,470, G>C on the plus strand (C>G on the coding strand, the complement: DICER1 is on the minus strand). VCF-style: chr14-95108470-G-C. GRCh37 (hg19) VCF-style: chr14-95574807-G-C.
Other names: c.2290C>G, p.Pro764Ala (NM_001195573.1, NM_001271282.3, NM_001291628.2 and 13 more transcripts); c.2008C>G, p.Pro670Ala (NM_001395686.1); c.1885C>G, p.Pro629Ala (NM_001395687.1, NM_001395688.1, NM_001395689.1 and 2 more transcripts); c.1723C>G, p.Pro575Ala (NM_001395691.1); c.607C>G, p.Pro203Ala (NM_001395697.1); short protein forms P203A, P575A, P629A, P670A, P764A.
Identifiers: ClinVar variation 2984733 (VCV002984733.4), dbSNP rs2542857061, ClinGen allele CA390882367.

ClinVar aggregate classification (germline): Uncertain significance. Review status: criteria provided, multiple submitters, no conflicts (2 of 4 stars). 2 submissions from 2 submitters: Uncertain significance (2). Last evaluated 2025-09-10.

Conditions:
Pleuropulmonary blastoma (PPB). Identifiers: Orphanet 64742, MedGen C1266144, MONDO:0011014, OMIM 601200, HP:0100528.
DICER1-related tumor predisposition. Also called: DICER1 syndrome; DICER1-related pleuropulmonary blastoma cancer predisposition syndrome. Identifiers: Orphanet 284343, MedGen C3839822, MONDO:0100216.

Submissions (2):

Genomic Medicine Center of Excellence, King Faisal Specialist Hospital and Research Centre
Classification: Uncertain significance for Pleuropulmonary blastoma. Last evaluated: 2025-09-10. Review status: criteria provided, single submitter. Criteria: ACMG Guidelines, 2015. Collection method: clinical testing. Allele origin: germline.

Labcorp Genetics (formerly Invitae), Labcorp
Classification: Uncertain significance for DICER1-related tumor predisposition. Last evaluated: 2023-11-08. Review status: criteria provided, single submitter. Criteria: Invitae Variant Classification Sherloc (09022015). Collection method: clinical testing. Allele origin: germline.
Comment: This sequence change replaces proline, which is neutral and non-polar, with alanine, which is neutral and non-polar, at codon 764 of the DICER1 protein (p.Pro764Ala). This variant is not present in population databases (gnomAD no frequency). This variant has not been reported in the literature in individuals affected with DICER1-related conditions. Advanced modeling of protein sequence and biophysical properties (such as structural, functional, and spatial information, amino acid conservation, physicochemical variation, residue mobility, and thermodynamic stability) performed at Invitae indicates that this missense variant is not expected to disrupt DICER1 protein function with a negative predictive value of 80%. In summary, the available evidence is currently insufficient to determine the role of this variant in disease. Therefore, it has been classified as a Variant of Uncertain Significance.